The following is an entry in ClinVar:

NM_080826.2(ISM1):c.79T>C (p.Ser27Pro)

Genes: ISM1 (isthmin 1; plus strand), TASP1 (taspase 1; minus strand). Cytogenetic location: 20p12.1.
Variant type: single nucleotide variant.
Coding change: c.79T>C on transcript NM_080826.2 (MANE Select); coding-DNA position 79, T replaced by C.
Protein change: p.Ser27Pro; replaces serine 27 with proline.
Molecular consequence: missense variant.
Genome position (GRCh38, 1-based): chr20:13,221,855, T>C. VCF-style: chr20-13221855-T-C. GRCh37 (hg19) VCF-style: chr20-13202502-T-C.
Other names: short protein forms S27P.
Identifiers: ClinVar variation 2595482 (VCV002595482.3), dbSNP rs763191409, ClinGen allele CA9766132.

ClinVar aggregate classification (germline): Uncertain significance. Review status: criteria provided, single submitter (1 of 4 stars). 2 submissions from 2 submitters: Uncertain significance (1). 1 of the submissions does not count toward it. Last evaluated 2023-08-22.

Conditions:
ISM1-related disorder. Also called: ISM1-related condition.

Allele frequency attached by ClinVar (database versions not stated): gnomAD 0.00009; TOPMed 0.00012; ExAC 0.00013; gnomAD exomes 0.00015.
gnomAD v4.1: 212 of 1,433,900 alleles (0.015%); highest among the groups gnomAD compares: East Asian, 0.56%; 2 homozygotes.

Submissions (2):

Ambry Genetics
Classification: Uncertain significance. Last evaluated: 2023-08-22. Review status: criteria provided, single submitter. Criteria: Ambry Variant Classification Scheme 2023. Collection method: clinical testing. Allele origin: germline.

PreventionGenetics, part of Exact Sciences
Classification: Likely benign for ISM1-related condition. Last evaluated: 2024-05-20. Review status: no assertion criteria provided. Collection method: clinical testing. Allele origin: germline. Not counted in ClinVar's aggregate classification.
Comment: This variant is classified as likely benign based on ACMG/AMP sequence variant interpretation guidelines (Richards et al. 2015 PMID: 25741868, with internal and published modifications).